The following is an entry in ClinVar:

ClinVar aggregate classification (germline): Pathogenic. Review status: criteria provided, multiple submitters, no conflicts (2 of 4 stars). 4 submissions from 4 submitters: Pathogenic (3). 1 of the submissions does not count toward it. Last evaluated 2024-11-15.

Conditions:
CNGB3-related disorder. Also called: CNGB3-related disorders; CNGB3-related condition. Identifiers: MedGen CN239340.
Achromatopsia. Also called: Rod monochromatism. Identifiers: Orphanet 49382, MedGen C0152200, MONDO:0018852, HP:0011516.
Achromatopsia 3 (ACHM3). Also called: PINGELAPESE BLINDNESS; ACHROMATOPSIA WITH MYOPIA; TOTAL COLORBLINDNESS WITH MYOPIA; ROD MONOCHROMACY 1; ROD MONOCHROMATISM 1. Identifiers: Orphanet 49382, MedGen C1849792, MONDO:0009875, OMIM 262300.

Submissions (4):

Blueprint Genetics
Classification: Pathogenic for CNGB3-related disorders. Last evaluated: 2024-11-15. Review status: criteria provided, single submitter. Criteria: ACMG Guidelines, 2015. Collection method: clinical testing. Allele origin: germline. Affected: yes. Observed: 5 variant alleles.

Natera, Inc.
Classification: Pathogenic for Achromatopsia. Last evaluated: 2024-07-17. Review status: criteria provided, single submitter. Criteria: Natera Variant Classification Schema (03/2026). Collection method: clinical testing. Allele origin: germline.
Comment: The c.1285dupT variant in CNGB3 is a frameshift variant predicted to shift the reading frame beginning at codon 429 and leads to a stop codon 33 codons downstream. This variant is expected to result in nonsense mediated decay, truncation, or a dysfunctional protein product. This variant is rare in the general population with a frequency below the threshold expected for the associated phenotype(s). This variant has been observed in one or more individuals affected with the associated recessive disease, as either homozygous or compound heterozygous with a second variant (PMID: 28795510). Given the available evidence, this variant is classified as Pathogenic.

Labcorp Genetics (formerly Invitae), Labcorp
Classification: Pathogenic. Last evaluated: 2023-11-20. Review status: criteria provided, single submitter. Criteria: Invitae Variant Classification Sherloc (09022015). Collection method: clinical testing. Allele origin: germline.
Comment: This sequence change creates a premature translational stop signal (p.Ser429Phefs*33) in the CNGB3 gene. It is expected to result in an absent or disrupted protein product. Loss-of-function variants in CNGB3 are known to be pathogenic (PMID: 28795510). The frequency data for this variant in the population databases is considered unreliable, as metrics indicate poor data quality at this position in the gnomAD database. This premature translational stop signal has been observed in individuals with achromatopsia (PMID: 28795510). ClinVar contains an entry for this variant (Variation ID: 427659). Algorithms developed to predict the effect of sequence changes on RNA splicing suggest that this variant may disrupt the consensus splice site. For these reasons, this variant has been classified as Pathogenic.

Molecular Genetics Laboratory, Institute for Ophthalmic Research
Classification: Pathogenic for ACHM3. Last evaluated: 2017-03-27. Review status: no assertion criteria provided. Collection method: research. Allele origin: germline. Affected: yes. Not counted in ClinVar's aggregate classification.

Literature cited by the submitters: PubMed 28795510 (cited by 3 submitters).

NM_019098.5(CNGB3):c.1285dup (p.Ser429fs)

Gene: CNGB3 (cyclic nucleotide gated channel subunit beta 3; minus strand). Cytogenetic location: 8q21.3.
Variant type: Duplication.
Coding change: c.1285dup on transcript NM_019098.5 (MANE Select); coding-DNA position 1285, one base duplicated (T; older notation c.1285dupT).
Protein change: p.Ser429fs; shifts the reading frame from serine 429.
Molecular consequence: frameshift variant.
Genome position (GRCh38, 1-based): chr8:86,632,787, A duplicated on the plus strand (T on the coding strand, the reverse complement: CNGB3 is on the minus strand); the first of 8 consecutive A bases (chr8:86,632,787-86,632,794); duplicating any one gives the same sequence. VCF-style (leftmost placement, unchanged base first): chr8-86632786-G-GA. GRCh37 (hg19) VCF-style: chr8-87645014-G-GA.
Other names: c.1285dupT (NM_019098.4); short protein forms S429fs.
Identifiers: ClinVar variation 427659 (VCV000427659.11), dbSNP rs776896038, ClinGen allele CA4800086.